The following continues an entry in ClinVar:

NM_000426.4(LAMA2):c.2049_2050del (p.Arg683fs)

Gene: LAMA2. ClinVar aggregate classification (germline): Pathogenic/Likely pathogenic. Pathogenic (19); Likely pathogenic (2).

Submissions 16 to 27 of 27:

Genetics and Molecular Pathology, SA Pathology
Classification: Pathogenic for Merosin deficient congenital muscular dystrophy. Last evaluated: 2021-04-29. Review status: criteria provided, single submitter. Criteria: ACMG Guidelines, 2015. Collection method: clinical testing. Allele origin: germline. Affected: yes.

Mendelics
Classification: Pathogenic for Merosin deficient congenital muscular dystrophy. Last evaluated: 2019-05-28. Review status: criteria provided, single submitter. Criteria: Mendelics Assertion Criteria 2017. Collection method: clinical testing. Allele origin: unknown.

Breda Genetics srl
Classification: Pathogenic for Merosin deficient congenital muscular dystrophy. Last evaluated: 2019-03-13. Review status: criteria provided, single submitter. Criteria: ACMG Guidelines, 2015. Collection method: clinical testing. Allele origin: germline. Inheritance: Autosomal recessive inheritance. Affected: yes. Observed: 1 variant allele, 1 compound heterozygote.
Comment: The variant c.2045_2046delAG (p.Arg683Serfs*21) in the LAMA2 gene is reported as pathogenic for merosin deficient congenital muscular dystrophy in ClinVar (Variation ID: 38340) and as effect unknown in the Whole Genome datasets LAMA2 LOVD database v.3.0 (genomic variant: #0000691061). This variant creates a shift in the reading frame which is predicted to result in a premature stop codon 21 amino acids downstream and is likely to result in a truncated protein or protein loss due to nonsense-mediated messenger decay (NMD). The variant is reported with an estimated allele frequency of 0.0001 in gnomAD exomes, 0.0001 in gnomAD genomes and 0.0002 in NHLI Exome Sequencing Project (ESP), with no homozygous individuals reported. This variant â€“ also known in the literature as c.2049_2050del or Lys682LysfsX22 â€“ is one of the most frequently reported pathogenic variant in the LAMA2 gene, being identified in several individuals affected by congenital muscular dystrophy (e.g. PMIDs: 9541105, 27854218, 25544356, 30055037).

Centre for Mendelian Genomics, University Medical Centre Ljubljana
Classification: Likely pathogenic for Merosin deficient congenital muscular dystrophy. Last evaluated: 2016-01-01. Review status: criteria provided, single submitter. Criteria: ACMG Guidelines, 2015. Collection method: clinical testing. Allele origin: unknown. Affected: yes.
Comment: This variant was classified as: Likely pathogenic. The following ACMG criteria were applied in classifying this variant: PS1,PM2,PP2.

Eurofins Ntd Llc (ga)
Classification: Pathogenic. Last evaluated: 2013-11-08. Review status: criteria provided, single submitter. Criteria: EGL Classification Definitions. Collection method: clinical testing. Allele origin: germline. Observed: 4 variant alleles, 4 heterozygotes.

Juno Genomics, Hangzhou Juno Genomics, Inc
Classification: Pathogenic for Merosin deficient congenital muscular dystrophy; Muscular dystrophy, limb-girdle, autosomal recessive 23. Review status: criteria provided, single submitter. Criteria: ACMG Guidelines, 2015. Collection method: clinical testing. Allele origin: germline.
Comment: Absent from controls (or at extremely low frequency if recessive) in Genome Aggregation Database.;Null variant in a gene where loss of function (LOF) is a known mechanism of disease.;For recessive disorders, detected in trans with a pathogenic variant.

Counsyl
Classification: Pathogenic for Merosin deficient congenital muscular dystrophy. Last evaluated: 2017-01-03. Review status: no assertion criteria provided. Collection method: clinical testing. Allele origin: unknown. Not counted in ClinVar's aggregate classification.

OMIM
Classification: Pathogenic for MUSCULAR DYSTROPHY, CONGENITAL MEROSIN-DEFICIENT. Last evaluated: 2001-10-09. Review status: no assertion criteria provided. Collection method: literature only. Allele origin: germline. Not counted in ClinVar's aggregate classification.

Dr. Oladnabi Research Group, Golestan University of Medical Sciences
Classification: Pathogenic for Merosin deficient congenital muscular dystrophy. Review status: no assertion criteria provided. Collection method: clinical testing. Allele origin: inherited. Affected: yes. Observed: 1 compound heterozygote. Not counted in ClinVar's aggregate classification.
Comment: This frameshift variant (c.2049_2050del) in the LAMA2 gene is predicted to result in a premature termination codon, leading to nonsense-mediated mRNA decay.

GeneReviews
No classification provided. Condition: Merosin deficient congenital muscular dystrophy. Review status: no classification provided. Collection method: literature only. Allele origin: unknown. Not counted in ClinVar's aggregate classification.

Institute of Human Genetics, University of Wuerzburg
Classification: Pathogenic for Muscular dystrophy, limb-girdle, autosomal recessive 23. Review status: no assertion criteria provided. Collection method: clinical testing. Allele origin: unknown. Affected: yes. Observed: 1 variant allele. Not counted in ClinVar's aggregate classification.

Center for Genetic Medicine Research, Children's National Medical Center
Classification: Uncertain significance. Last evaluated: 2015-12-01. Review status: flagged submission. Criteria: Punetha et al. (J Neuromuscul Dis. 2016). Collection method: research. Allele origin: unknown. Affected: yes. Not counted in ClinVar's aggregate classification.
ClinVar note: Reason: Outlier claim with insufficient supporting evidence

Literature cited by the submitters: PubMed 37476021 (cited by Institute of Medical Genetics and Genomics, Sir Ganga Ram Hospital); PubMed 18700894 (cited by Labcorp Genetics (formerly Invitae), Labcorp and Mayo Clinic Laboratories, Mayo Clinic); PubMed 32904964 (cited by Labcorp Genetics (formerly Invitae), Labcorp); PubMed 9541105 (cited by Labcorp Genetics (formerly Invitae), Labcorp and Counsyl); PubMed 24611677 (cited by 3 submitters); PubMed 25544356 (cited by Labcorp Genetics (formerly Invitae), Labcorp and Dasa); PubMed 33558818 (cited by Dasa); PubMed 20207543 (cited by Mayo Clinic Laboratories, Mayo Clinic and Counsyl); PubMed 11591858 (cited by OMIM); PubMed 30055037 (cited by Dr. Oladnabi Research Group, Golestan University of Medical Sciences); PubMed 22675738 (cited by GeneReviews); NCBI Bookshelf NBK97333 (cited by GeneReviews).